The following is an entry in ClinVar:

ClinVar aggregate classification (germline): Uncertain significance (1 of 4 stars; one submission).

Submission:

GeneDx
Classification: Uncertain significance. Last evaluated: 2024-12-31. Review status: criteria provided, single submitter. Criteria: GeneDx Variant Classification Process June 2021. Collection method: clinical testing. Allele origin: germline. Affected: yes.
Comment: Not observed at significant frequency in large population cohorts (gnomAD); In silico analysis indicates that this missense variant does not alter protein structure/function; Has not been previously published as pathogenic or benign to our knowledge

NM_014974.3(DIP2C):c.64C>G (p.Leu22Val)

Gene: DIP2C (disco interacting protein 2 homolog C; minus strand). Cytogenetic location: 10p15.3.
Variant type: single nucleotide variant.
Coding change: c.64C>G on transcript NM_014974.3 (MANE Select); coding-DNA position 64, C replaced by G.
Protein change: p.Leu22Val; replaces leucine 22 with valine.
Molecular consequence: missense variant.
Genome position (GRCh38, 1-based): chr10:689,515, G>C on the plus strand (C>G on the coding strand, the complement: DIP2C is on the minus strand). VCF-style: chr10-689515-G-C. GRCh37 (hg19) VCF-style: chr10-735455-G-C.
Other names: short protein forms L22V.
Identifiers: ClinVar variation 3907725 (VCV003907725.1).